The following is an entry in ClinVar:

NM_001024630.4(RUNX2):c.1413G>A (p.Pro471=)

Gene: RUNX2 (RUNX family transcription factor 2; plus strand). Cytogenetic location: 6p21.1.
Variant type: single nucleotide variant.
Coding change: c.1413G>A on transcript NM_001024630.4 (MANE Select); coding-DNA position 1413, G replaced by A.
Protein change: p.Pro471=; no amino-acid change (proline 471 retained).
Molecular consequence: synonymous variant.
Genome position (GRCh38, 1-based): chr6:45,547,152, G>A. VCF-style: chr6-45547152-G-A. GRCh37 (hg19) VCF-style: chr6-45514889-G-A.
Other names: c.1347G>A, p.Pro449= (NM_001015051.4); c.1305G>A, p.Pro435= (NM_001278478.2); c.1371G>A, p.Pro457= (NM_001369405.1); c.1413G>A (NM_001024630.3).
Identifiers: ClinVar variation 1110727 (VCV001110727.10), dbSNP rs114897742, ClinGen allele CA3836627.

ClinVar aggregate classification (germline): Likely benign. Review status: criteria provided, multiple submitters, no conflicts (2 of 4 stars). 2 submissions from 2 submitters: Likely benign (2). Last evaluated 2025-09-12.

Conditions:
RUNX2-related disorder. Also called: RUNX2-related condition.

Allele frequency attached by ClinVar (database versions not stated): 1000 Genomes Project 30x 0.00016; 1000 Genomes Project 0.00020.
gnomAD v4.1: 21 of 1,614,048 alleles (0.0013%); highest among the groups gnomAD compares: Admixed American, 0.02%; no homozygotes.

Submissions (2):

PreventionGenetics, part of Exact Sciences
Classification: Likely benign for RUNX2-related condition. Last evaluated: 2025-09-12. Review status: criteria provided, single submitter. Criteria: ACMG Guidelines, 2015. Collection method: clinical testing. Allele origin: germline.
Comment: This variant is classified as likely benign based on ACMG/AMP sequence variant interpretation guidelines (Richards et al. 2015 PMID: 25741868, with internal and published modifications).

Labcorp Genetics (formerly Invitae), Labcorp
Classification: Likely benign. Last evaluated: 2024-04-29. Review status: criteria provided, single submitter. Criteria: Invitae Variant Classification Sherloc (09022015). Collection method: clinical testing. Allele origin: germline.